The following is an entry in ClinVar:

NM_001184880.2(PCDH19):c.2512C>G (p.Gln838Glu)

Genes: PCDH19 (protocadherin 19; minus strand), LOC125467768 (CDK7 strongly-dependent group 2 enhancer GRCh37_chrX:99657381-99658580; plus strand). Cytogenetic location: Xq22.1.
Variant type: single nucleotide variant.
Coding change: c.2512C>G on transcript NM_001184880.2 (MANE Select); coding-DNA position 2512, C replaced by G.
Protein change: p.Gln838Glu; replaces glutamine 838 with glutamic acid.
Molecular consequence: missense variant.
Genome position (GRCh38, 1-based): chrX:100,402,628, G>C on the plus strand (C>G on the coding strand, the complement: PCDH19 is on the minus strand). VCF-style: chrX-100402628-G-C. GRCh37 (hg19) VCF-style: chrX-99657626-G-C.
Other names: c.2371C>G, p.Gln791Glu (NM_001105243.2, NM_020766.3); short protein forms Q791E, Q838E.
Identifiers: ClinVar variation 846453 (VCV000846453.10), dbSNP rs199634316, ClinGen allele CA10468760.

ClinVar aggregate classification (germline): Uncertain significance (1 of 4 stars; one submission).

Conditions:
Developmental and epileptic encephalopathy, 9 (DEE9). Also called: Early infantile epileptic encephalopathy 9; PCDH19-Related X-Linked Female-Limited Epilepsy with Mental Retardation; EPILEPSY, FEMALE-RESTRICTED, WITH MENTAL RETARDATION; JUBERG-HELLMAN SYNDROME. Identifiers: Orphanet 101039, Orphanet 2076, MedGen C1848137, MONDO:0010246, OMIM 300088. Disease mechanism: loss of function.

Allele frequency attached by ClinVar (database versions not stated): gnomAD exomes below 0.00001 and 0.00001; gnomAD 0.00002; TOPMed 0.00002; ExAC 0.00001.
gnomAD v4.1: 5 of 1,209,465 alleles (0.00041%); highest among the groups gnomAD compares: Non-Finnish European, 0.00056%; no homozygotes.

Submission:

Labcorp Genetics (formerly Invitae), Labcorp
Classification: Uncertain significance for Developmental and epileptic encephalopathy, 9. Last evaluated: 2021-04-27. Review status: criteria provided, single submitter. Criteria: Invitae Variant Classification Sherloc (09022015). Collection method: clinical testing. Allele origin: germline.
Comment: This variant is present in population databases (rs199634316, ExAC 0.002%). In summary, the available evidence is currently insufficient to determine the role of this variant in disease. Therefore, it has been classified as a Variant of Uncertain Significance. Algorithms developed to predict the effect of missense changes on protein structure and function are either unavailable or do not agree on the potential impact of this missense change (SIFT: "Deleterious"; PolyPhen-2: "Benign"; Align-GVGD: "Class C0"). This variant has not been reported in the literature in individuals with PCDH19-related conditions. This sequence change replaces glutamine with glutamic acid at codon 838 of the PCDH19 protein (p.Gln838Glu). The glutamine residue is highly conserved and there is a small physicochemical difference between glutamine and glutamic acid.